The following is an entry in ClinVar:

ClinVar aggregate classification (germline): Uncertain significance (1 of 4 stars; one submission).

Conditions:
Hereditary cancer-predisposing syndrome. Also called: Hereditary Cancer Syndrome; Hereditary neoplastic syndrome; Neoplastic Syndromes, Hereditary; Tumor predisposition. Identifiers: Orphanet 140162, MedGen C0027672, MeSH D009386, MONDO:0015356.

Submission:

Ambry Genetics
Classification: Uncertain significance for Hereditary cancer-predisposing syndrome. Last evaluated: 2025-06-15. Review status: criteria provided, single submitter. Criteria: Ambry Variant Classification Scheme 2023. Collection method: clinical testing. Allele origin: germline.
Comment: The p.E187V variant (also known as c.560A>T), located in coding exon 6 of the EPCAM gene, results from an A to T substitution at nucleotide position 560. The glutamic acid at codon 187 is replaced by valine, an amino acid with dissimilar properties. This amino acid position is conserved. In addition, the in silico prediction for this alteration is inconclusive. Based on the available evidence, the clinical significance of this variant remains unclear.

NM_002354.3(EPCAM):c.560A>T (p.Glu187Val)

Gene: EPCAM (epithelial cell adhesion molecule; plus strand). Cytogenetic location: 2p21.
Variant type: single nucleotide variant.
Coding change: c.560A>T on transcript NM_002354.3 (MANE Select); coding-DNA position 560, A replaced by T.
Protein change: p.Glu187Val; replaces glutamic acid 187 with valine.
Molecular consequence: missense variant.
Genome position (GRCh38, 1-based): chr2:47,378,957, A>T. VCF-style: chr2-47378957-A-T. GRCh37 (hg19) VCF-style: chr2-47606096-A-T.
Other names: short protein forms E187V.
Identifiers: ClinVar variation 4249673 (VCV004249673.1).